The following is an entry in ClinVar:

NM_032043.3(BRIP1):c.2632C>G (p.Leu878Val)

Gene: BRIP1 (BRCA1 interacting DNA helicase 1; minus strand). Cytogenetic location: 17q23.2.
Variant type: single nucleotide variant.
Coding change: c.2632C>G on transcript NM_032043.3 (MANE Select); coding-DNA position 2632, C replaced by G.
Protein change: p.Leu878Val; replaces leucine 878 with valine.
Molecular consequence: missense variant.
Genome position (GRCh38, 1-based): chr17:61,686,109, G>C on the plus strand (C>G on the coding strand, the complement: BRIP1 is on the minus strand). VCF-style: chr17-61686109-G-C. GRCh37 (hg19) VCF-style: chr17-59763470-G-C.
Other names: short protein forms L878V.
Identifiers: ClinVar variation 821612 (VCV000821612.4), dbSNP rs1603276933, ClinGen allele CA400481903.

ClinVar aggregate classification (germline): Uncertain significance (1 of 4 stars; one submission).

Conditions:
Hereditary cancer-predisposing syndrome. Also called: Tumor predisposition; Hereditary Cancer Syndrome; Neoplastic Syndromes, Hereditary; Hereditary neoplastic syndrome. Identifiers: Orphanet 140162, MedGen C0027672, MeSH D009386, MONDO:0015356.

Submission:

Ambry Genetics
Classification: Uncertain significance for Hereditary cancer-predisposing syndrome. Last evaluated: 2019-03-27. Review status: criteria provided, single submitter. Criteria: Ambry Variant Classification Scheme 2023. Collection method: clinical testing. Allele origin: germline.
Comment: The p.L878V variant (also known as c.2632C>G), located in coding exon 18 of the BRIP1 gene, results from a C to G substitution at nucleotide position 2632. The leucine at codon 878 is replaced by valine, an amino acid with highly similar properties. This amino acid position is highly conserved in available vertebrate species. In addition, this alteration is predicted to be tolerated by in silico analysis. Since supporting evidence is limited at this time, the clinical significance of this alteration remains unclear.